The following is an entry in ClinVar:

NM_020843.4(SCAPER):c.1248+25A>G

Gene: SCAPER (S-phase cyclin A associated protein in the ER; minus strand). Cytogenetic location: 15q24.3.
Variant type: single nucleotide variant.
Coding change: c.1248+25A>G on transcript NM_020843.4 (MANE Select); 25 bases into the intron after coding-DNA position 1248, A replaced by G.
Molecular consequence: intron variant.
Genome position (GRCh38, 1-based): chr15:76,771,717, T>C on the plus strand (A>G on the coding strand, the complement: SCAPER is on the minus strand). VCF-style: chr15-76771717-T-C. GRCh37 (hg19) VCF-style: chr15-77064058-T-C.
Other names: c.864+7A>G (NM_001353011.2); c.846+25A>G (NM_001353012.2, NM_001353010.2); c.1266+7A>G (NM_001353009.2); c.510+25A>G (NM_001145923.2).
Identifiers: ClinVar variation 3350716 (VCV003350716.1).

ClinVar aggregate classification (germline): Likely benign (0 of 4 stars; one submission).

Conditions:
SCAPER-related disorder. Also called: SCAPER-related condition.

gnomAD v4.1: 8 of 1,568,904 alleles (0.00051%); highest among the groups gnomAD compares: African/African-American, 0.0014%; no homozygotes.

Submission:

PreventionGenetics, part of Exact Sciences
Classification: Likely benign for SCAPER-related condition. Last evaluated: 2024-08-02. Review status: no assertion criteria provided. Collection method: clinical testing. Allele origin: germline.
Comment: This variant is classified as likely benign based on ACMG/AMP sequence variant interpretation guidelines (Richards et al. 2015 PMID: 25741868, with internal and published modifications).